The following is an entry in ClinVar:

ClinVar aggregate classification (germline): Conflicting classifications of pathogenicity. Review status: criteria provided, conflicting classifications (1 of 4 stars). 3 submissions from 3 submitters: Uncertain significance (1); Likely benign (2). Last evaluated 2026-01-20.

Conditions:
Familial cancer of breast. Also called: BREAST CANCER, FAMILIAL; hereditary breast carcinoma; Hereditary breast cancer. Identifiers: Orphanet 227535, MedGen C0346153, MONDO:0016419, OMIM 114480. Disease mechanism: loss of function.
Hereditary cancer-predisposing syndrome. Also called: Hereditary Cancer Syndrome; Hereditary neoplastic syndrome; Neoplastic Syndromes, Hereditary; Tumor predisposition. Identifiers: Orphanet 140162, MedGen C0027672, MeSH D009386, MONDO:0015356.
Ataxia-telangiectasia syndrome (AT). Also called: LOUIS-BAR SYNDROME; Cerebello-oculocutaneous telangiectasia; Immunodeficiency with ataxia telangiectasia; Ataxia-telangiectasia, complementation group D; AT, COMPLEMENTATION GROUP C; ATAXIA-TELANGIECTASIA, COMPLEMENTATION GROUP A. Identifiers: Orphanet 100, MedGen C0004135, MONDO:0008840, OMIM 208900.

Allele frequency attached by ClinVar (database versions not stated): TOPMed below 0.00001; gnomAD 0.00001.
gnomAD v4.1: 1 of 1,597,532 alleles (0.000063%); highest among the groups gnomAD compares: Non-Finnish European, 0.000086%; no homozygotes.

Submissions (3):

Labcorp Genetics (formerly Invitae), Labcorp
Classification: Likely benign for Ataxia-telangiectasia syndrome. Last evaluated: 2026-01-20. Review status: criteria provided, single submitter. Criteria: Invitae Variant Classification Sherloc (09022015). Collection method: clinical testing. Allele origin: germline.

Myriad Genetics, Inc.
Classification: Likely benign for Familial cancer of breast. Last evaluated: 2024-05-07. Review status: criteria provided, single submitter. Criteria: Myriad Autosomal Dominant, Autosomal Recessive and X-Linked Classification Criteria (2023). Collection method: clinical testing. Allele origin: unknown.
Comment: This variant is considered likely benign. This variant is intronic and is not expected to impact mRNA splicing.

Color Diagnostics, LLC DBA Color Health
Classification: Uncertain significance for Hereditary cancer-predisposing syndrome. Last evaluated: 2021-02-18. Review status: criteria provided, single submitter. Criteria: ACMG Guidelines, 2015. Collection method: clinical testing. Allele origin: germline.
Comment: This variant causes an A to G nucleotide substitution at the -8 position of intron 13 of the ATM gene. Splice site prediction tools are inconclusive regarding the impact of this variant on RNA splicing. To our knowledge, this variant has not been reported in individuals affected with hereditary cancer in the literature. This variant has not been identified in the general population by the Genome Aggregation Database (gnomAD). The available evidence is insufficient to determine the role of this variant in disease conclusively. Therefore, this variant is classified as a Variant of Uncertain Significance.

NM_000051.4(ATM):c.2125-8A>G

Gene: ATM (ATM serine/threonine kinase; plus strand). Cytogenetic location: 11q22.3.
Variant type: single nucleotide variant.
Coding change: c.2125-8A>G on transcript NM_000051.4 (MANE Select); 8 bases into the intron before coding-DNA position 2125, A replaced by G.
Molecular consequence: intron variant.
Genome position (GRCh38, 1-based): chr11:108,256,207, A>G. VCF-style: chr11-108256207-A-G. GRCh37 (hg19) VCF-style: chr11-108126934-A-G.
Other names: c.2125-8A>G (NM_001351834.2).
Identifiers: ClinVar variation 1331841 (VCV001331841.6), dbSNP rs757565418, ClinGen allele CA942015708.